The following is an entry in ClinVar:

ClinVar aggregate classification (germline): Uncertain significance (1 of 4 stars; one submission).

Conditions:
PCNT-related disorder. Also called: PCNT-related condition.

Allele frequency attached by ClinVar (database versions not stated): gnomAD exomes below 0.00001; TOPMed 0.00002.
gnomAD v4.1: 3 of 1,614,166 alleles (0.00019%); highest among the groups gnomAD compares: South Asian, 0.0022%; no homozygotes.

Submission:

PreventionGenetics, part of Exact Sciences
Classification: Uncertain significance for PCNT-related condition. Last evaluated: 2022-08-31. Review status: criteria provided, single submitter. Criteria: ACMG Guidelines, 2015. Collection method: clinical testing. Allele origin: germline.
Comment: The PCNT c.8849G>A variant is predicted to result in the amino acid substitution p.Ser2950Asn. To our knowledge, this variant has not been reported in the literature or in a large population database, indicating this variant is rare. At this time, the clinical significance of this variant is uncertain due to the absence of conclusive functional and genetic evidence.

NM_006031.6(PCNT):c.8849G>A (p.Ser2950Asn)

Gene: PCNT (pericentrin; plus strand). Cytogenetic location: 21q22.3.
Variant type: single nucleotide variant.
Coding change: c.8849G>A on transcript NM_006031.6 (MANE Select); coding-DNA position 8849, G replaced by A.
Protein change: p.Ser2950Asn; replaces serine 2950 with asparagine.
Molecular consequence: missense variant.
Genome position (GRCh38, 1-based): chr21:46,436,001, G>A. VCF-style: chr21-46436001-G-A. GRCh37 (hg19) VCF-style: chr21-47855914-G-A.
Other names: c.8258G>A, p.Ser2753Asn (NM_001315529.2); short protein forms S2753N, S2950N.
Identifiers: ClinVar variation 2631826 (VCV002631826.1), dbSNP rs2053432807, ClinGen allele CA410574980.